The following is an entry in ClinVar:

ClinVar aggregate classification (germline): Likely pathogenic (1 of 4 stars; one submission).

Conditions:
Mucolipidosis type IV (ML4). Also called: ML IV. Identifiers: Orphanet 578, MedGen C0238286, MONDO:0009653, OMIM 252650.

Submission:

Natera, Inc.
Classification: Likely pathogenic for Mucolipidosis type IV. Last evaluated: 2025-09-01. Review status: criteria provided, single submitter. Criteria: Natera Variant Classification Schema (03/2026). Collection method: clinical testing. Allele origin: germline.
Comment: The c.1350del variant in MCOLN1 is a frameshift variant predicted to shift the reading frame beginning at codon 451 and leads to a stop codon 2 codons downstream. This variant is expected to result in nonsense mediated decay, truncation, or a dysfunctional protein product. This variant is rare in the general population with a frequency below the threshold expected for the associated phenotype(s). Given the available evidence, this variant is classified as Likely Pathogenic.

NM_020533.3(MCOLN1):c.1350del (p.His451fs)

Gene: MCOLN1 (mucolipin TRP cation channel 1; plus strand). Cytogenetic location: 19p13.2.
Variant type: Deletion.
Coding change: c.1350del on transcript NM_020533.3 (MANE Select); coding-DNA position 1350, one base deleted (T; older notation c.1350delT).
Protein change: p.His451fs; shifts the reading frame from histidine 451.
Molecular consequence: frameshift variant.
Genome position (GRCh38, 1-based): chr19:7,529,703, T deleted. VCF-style (leftmost placement, unchanged base first): chr19-7529702-AT-A. GRCh37 (hg19) VCF-style: chr19-7594588-AT-A.
Other names: short protein forms H451fs.
Identifiers: ClinVar variation 4816060 (VCV004816060.1).